The following is an entry in ClinVar:

NM_000092.5(COL4A4):c.1716del (p.Pro573fs)

Gene: COL4A4 (collagen type IV alpha 4 chain; minus strand). Cytogenetic location: 2q36.3.
Variant type: Deletion.
Coding change: c.1716del on transcript NM_000092.5 (MANE Select); coding-DNA position 1716, one base deleted (T; older notation c.1716delT).
Protein change: p.Pro573fs; shifts the reading frame from proline 573.
Molecular consequence: frameshift variant.
Genome position (GRCh38, 1-based): chr2:227,080,530, A deleted on the plus strand (T on the coding strand, the reverse complement: COL4A4 is on the minus strand). VCF-style (leftmost placement, unchanged base first): chr2-227080529-GA-G. GRCh37 (hg19) VCF-style: chr2-227945245-GA-G.
Other names: c.1716delT (NM_000092.5); short protein forms P573fs.
Identifiers: ClinVar variation 1963410 (VCV001963410.8), dbSNP rs772659513, ClinGen allele CA2145077.
Genomic context (GRCh38, chr2:227,080,529, plus strand): 5'-CAGCATGTCCATCCCGACCATGTGATCCTGGCTGCCCTGGAAATCCTGGGGGCCCATCAG[GA>G]CCTCTTTCTCCTTTGTGCCCTGGAAATAGAGGTCAAAAGATATTCAAGCTCTTATCAGCA-3'

ClinVar aggregate classification (germline): Pathogenic. Review status: criteria provided, multiple submitters, no conflicts (2 of 4 stars). 4 submissions from 4 submitters: Pathogenic (4). Last evaluated 2026-07-20.

Conditions:
Hematuria. Identifiers: MedGen C0018965, HP:0000790.
Alport syndrome. Also called: Hemorrhagic familial nephritis; Hemorrhagic hereditary nephritis; Congenital hereditary hematuria. Identifiers: Orphanet 63, MedGen C1567741, MONDO:0018965.
Benign familial hematuria. Also called: thin basement membrane disease. Identifiers: MedGen C0241908, MONDO:0957317.

Allele frequency attached by ClinVar (database versions not stated): ExAC 0.00001; gnomAD 0.00001.

Submissions (4):

Genetics Laboratory, Great Ormond Street Hospital NHS Foundation Trust, North Thames Genomic Laboratory Hub
Classification: Pathogenic for Haematuria. Last evaluated: 2026-07-20. Review status: criteria provided, single submitter. Criteria: ACGS Best Practice Guidelines for Variant Classification in Rare Disease 2024 v1.2. Collection method: clinical testing. Allele origin: germline. Affected: yes.
Comment: PS4_moderate, PM2_moderate, PVS1_very-strong, PP4_supporting

Labcorp Genetics (formerly Invitae), Labcorp
Classification: Pathogenic. Last evaluated: 2025-12-28. Review status: criteria provided, single submitter. Criteria: Invitae Variant Classification Sherloc (09022015). Collection method: clinical testing. Allele origin: germline.
Comment: This sequence change creates a premature translational stop signal (p.Pro573Leufs*80) in the COL4A4 gene. It is expected to result in an absent or disrupted protein product. Loss-of-function variants in COL4A4 are known to be pathogenic (PMID: 21196518, 24854265, 25307543). This variant is present in population databases (rs772659513, gnomAD 0.0009%). This variant has not been reported in the literature in individuals affected with COL4A4-related conditions. ClinVar contains an entry for this variant (Variation ID: 1963410). For these reasons, this variant has been classified as Pathogenic.

Women's Health and Genetics/Laboratory Corporation of America, LabCorp
Classification: Pathogenic for Benign familial hematuria. Last evaluated: 2025-11-11. Review status: criteria provided, single submitter. Criteria: LabCorp Variant Classification Summary - May 2015. Collection method: clinical testing. Allele origin: germline.
Comment: Variant summary: COL4A4 c.1716delT (p.Pro573LeufsX80) results in a premature termination codon, predicted to cause a truncation of the encoded protein or absence of the protein due to nonsense mediated decay, which are commonly known mechanisms for disease. The variant was absent in 249436 control chromosomes. c.1716delT has been observed in individual(s) affected with Hematuria, Benign Familial/Autosomal dominant Alport Syndrome (Lujinschi_2024). To our knowledge, no experimental evidence demonstrating an impact on protein function has been reported. The following publication have been ascertained in the context of this evaluation (PMID: 38790222). ClinVar contains an entry for this variant (Variation ID: 1963410). Based on the evidence outlined above, the variant was classified as pathogenic.

Victorian Clinical Genetics Services, Murdoch Childrens Research Institute
Classification: Pathogenic for Alport syndrome. Last evaluated: 2021-05-06. Review status: criteria provided, single submitter. Criteria: ACMG Guidelines, 2015. Collection method: clinical testing. Allele origin: germline. Inheritance: Autosomal dominant inheritance. Affected: yes.
Comment: Based on the classification scheme VCGS_Germline_v1.3.4, this variant is classified as Pathogenic. Following criteria are met: 0103 - Loss of function is a known mechanism of disease for this gene and is associated with COL4A4-related nephropathy. Dominant negative is a suspected mechanism of disease for this gene as it is a structural protein (PMIDs: 12028435, 24046192). (I) 0108 - This gene is associated with both recessive and dominant disease. Alport syndrome typically has biallelic inheritance, although rare cases of monoallelic inheritance have been reported (PMID: 28704582). TBMN and focal segmental glomerulosclerosis (FSGS) are associated with autosomal dominant inheritance (OMIM, PMIDs: 16467446, 17942953). (I) 0201 - Variant is predicted to cause nonsense-mediated decay (NMD) and loss of protein (premature termination codon is located at least 54 nucleotides upstream of the final exon-exon junction). (SP) 0251 - This variant is heterozygous. (I) 0302 - Variant is present in gnomAD (v2) <0.001 for a dominant condition (1 heterozygote, 0 homozygotes). (SP) 0701 - Many other NMD predicted variants comparable to the one identified in this case have very strong previous evidence for pathogenicity (ClinVar). (SP) 0807 - This variant has no previous evidence of pathogenicity. (I) 0905 - No published segregation evidence has been identified for this variant. (I) 1007 - No published functional evidence has been identified for this variant. (I) 1208 - Inheritance information for this variant is not currently available in this individual. (I) Legend: (SP) - Supporting pathogenic, (I) - Information, (SB) - Supporting benign

Literature cited by the submitters: PubMed 21196518 (cited by Labcorp Genetics (formerly Invitae), Labcorp); PubMed 24854265 (cited by Labcorp Genetics (formerly Invitae), Labcorp); PubMed 25307543 (cited by Labcorp Genetics (formerly Invitae), Labcorp); PubMed 38790222 (cited by Women's Health and Genetics/Laboratory Corporation of America, LabCorp); PubMed 12028435 (cited by Victorian Clinical Genetics Services, Murdoch Childrens Research Institute); PubMed 16467446 (cited by Victorian Clinical Genetics Services, Murdoch Childrens Research Institute); PubMed 17942953 (cited by Victorian Clinical Genetics Services, Murdoch Childrens Research Institute); PubMed 24046192 (cited by Victorian Clinical Genetics Services, Murdoch Childrens Research Institute); PubMed 28704582 (cited by Victorian Clinical Genetics Services, Murdoch Childrens Research Institute).